The following is an entry in ClinVar:

NM_000520.6(HEXA):c.1302C>G (p.Phe434Leu)

Gene: HEXA (hexosaminidase subunit alpha; minus strand). Cytogenetic location: 15q23.
Variant type: single nucleotide variant.
Coding change: c.1302C>G on transcript NM_000520.6 (MANE Select); coding-DNA position 1302, C replaced by G.
Protein change: p.Phe434Leu; replaces phenylalanine 434 with leucine.
Molecular consequence: missense variant.
Genome position (GRCh38, 1-based): chr15:72,346,555, G>C on the plus strand (C>G on the coding strand, the complement: HEXA is on the minus strand). VCF-style: chr15-72346555-G-C. GRCh37 (hg19) VCF-style: chr15-72638896-G-C.
Other names: c.1335C>G, p.Phe445Leu (NM_001318825.2); short protein forms F434L, F445L.
Identifiers: ClinVar variation 374504 (VCV000374504.45), dbSNP rs202173526, ClinGen allele CA16043770.

ClinVar aggregate classification (germline): Conflicting classifications of pathogenicity. Review status: criteria provided, conflicting classifications (1 of 4 stars). 3 submissions from 3 submitters: Likely pathogenic (2); Uncertain significance (1). Last evaluated 2022-08-01.

Conditions:
Tay-Sachs disease (TSD). Also called: Hexosaminidase A Deficiency; GM2 gangliosidosis, type 1; Hexosaminidase alpha-subunit deficiency (variant B); Sphingolipidosis, Tay-Sachs; HEXA Disorders; HEXA DEFICIENCY. Identifiers: Orphanet 845, MedGen C0039373, MONDO:0010100, OMIM 272800.

Allele frequency attached by ClinVar (database versions not stated): TOPMed below 0.00001; gnomAD 0.00001; gnomAD exomes 0.00001 and 0.00002; 1000 Genomes Project 30x 0.00016; 1000 Genomes Project 0.00020.
gnomAD v4.1: 16 of 1,614,058 alleles (0.00099%); highest among the groups gnomAD compares: Admixed American, 0.015%; no homozygotes.

Submissions (3):

Labcorp Genetics (formerly Invitae), Labcorp
Classification: Uncertain significance for Tay-Sachs disease. Last evaluated: 2022-08-01. Review status: criteria provided, single submitter. Criteria: Invitae Variant Classification Sherloc (09022015). Collection method: clinical testing. Allele origin: germline.
Comment: This sequence change replaces phenylalanine, which is neutral and non-polar, with leucine, which is neutral and non-polar, at codon 434 of the HEXA protein (p.Phe434Leu). This variant is present in population databases (rs202173526, gnomAD 0.009%). This missense change has been observed in individual(s) with Tay-Sachs disease (PMID: 22789865). ClinVar contains an entry for this variant (Variation ID: 374504). Algorithms developed to predict the effect of missense changes on protein structure and function (SIFT, PolyPhen-2, Align-GVGD) all suggest that this variant is likely to be tolerated. In summary, the available evidence is currently insufficient to determine the role of this variant in disease. Therefore, it has been classified as a Variant of Uncertain Significance.

AiLife Diagnostics
Classification: Likely pathogenic. Last evaluated: 2021-04-13. Review status: criteria provided, single submitter. Criteria: ACMG Guidelines, 2015. Collection method: clinical testing. Allele origin: germline. Affected: yes. Observed: 1 variant allele.

CeGaT Center for Human Genetics Tuebingen
Classification: Likely pathogenic. Last evaluated: 2017-02-01. Review status: criteria provided, single submitter. Criteria: CeGaT Center For Human Genetics Tuebingen Variant Classification Criteria Version 2. Collection method: clinical testing. Allele origin: germline. Affected: yes. Observed: 1 variant allele.

Literature cited by the submitters: PubMed 22789865 (cited by Labcorp Genetics (formerly Invitae), Labcorp and AiLife Diagnostics).